The following is an entry in ClinVar:

ClinVar aggregate classification (germline): Pathogenic. Review status: criteria provided, multiple submitters, no conflicts (2 of 4 stars). 3 submissions from 3 submitters: Pathogenic (3). Last evaluated 2023-12-01.

Conditions:
Juvenile nephropathic cystinosis. Also called: Intermediate Cystinosis; CYSTINOSIS, LATE-ONSET JUVENILE OR ADOLESCENT NEPHROPATHIC TYPE; Later-Onset (Juvenile) Cystinosis. Identifiers: Orphanet 213, Orphanet 411634, MedGen C0268626, MONDO:0009066, OMIM 219900.
Inborn genetic diseases. Identifiers: MedGen C0950123, MeSH D030342.
Ocular cystinosis. Also called: Non-Nephropathic Cystinosis; Non-Nephropathic (Ocular) Cystinosis. Identifiers: Orphanet 213, Orphanet 411641, MedGen C2931013, MONDO:0009064, OMIM 219750.
Nephropathic cystinosis (CTNS). Also called: CYSTINOSIN, DEFECT OF; LYSOSOMAL CYSTINE TRANSPORT PROTEIN, DEFECT OF; Abderhalden Lignac Kaufmann disease; Abderhalden-Kaufmann-Lignac syndrome. Identifiers: Orphanet 213, Orphanet 411629, MedGen C2931187, MONDO:0100151, OMIM 219800.

Submissions (3):

Precision Medicine Center, Zhengzhou University
Classification: Pathogenic for Nephropathic cystinosis. Last evaluated: 2023-12-01. Review status: criteria provided, single submitter. Criteria: ACMG Guidelines, 2015. Collection method: clinical testing. Allele origin: maternal. Affected: yes.
Comment: PVS1,PM2_p,PM3,PP4

Baylor Genetics
Classification: Pathogenic for Nephropathic cystinosis. Last evaluated: 2023-05-28. Review status: criteria provided, single submitter. Criteria: ACMG Guidelines, 2015. Collection method: clinical testing. Allele origin: unknown.

Labcorp Genetics (formerly Invitae), Labcorp
Classification: Pathogenic for Inborn genetic diseases; Ocular cystinosis; Juvenile nephropathic cystinosis. Last evaluated: 2023-03-13. Review status: criteria provided, single submitter. Criteria: Invitae Variant Classification Sherloc (09022015). Collection method: clinical testing. Allele origin: germline.
Comment: This variant is not present in population databases (gnomAD no frequency). This sequence change creates a premature translational stop signal (p.His105Profs*12) in the CTNS gene. It is expected to result in an absent or disrupted protein product. Loss-of-function variants in CTNS are known to be pathogenic (PMID: 9537412, 27102039). This premature translational stop signal has been observed in individual(s) with cystinosis (PMID: 9792862). For these reasons, this variant has been classified as Pathogenic. This variant is also known as 651delTCAC.

Literature cited by the submitters: PubMed 9792862 (cited by Precision Medicine Center, Zhengzhou University and Labcorp Genetics (formerly Invitae), Labcorp); PubMed 9537412 (cited by Labcorp Genetics (formerly Invitae), Labcorp); PubMed 27102039 (cited by Labcorp Genetics (formerly Invitae), Labcorp).

NM_004937.3(CTNS):c.314_317del (p.His105fs)

Genes: CTNS (cystinosin, lysosomal cystine transporter; plus strand), CTNS-AS1 (CTNS antisense RNA 1; minus strand). Cytogenetic location: 17p13.2.
Variant type: Deletion.
Coding change: c.314_317del on transcript NM_004937.3 (MANE Select); coding-DNA positions 314 to 317, 4 bases deleted (ACTC; older notation c.314_317delACTC).
Protein change: p.His105fs; shifts the reading frame from histidine 105.
Molecular consequence: frameshift variant. On other transcripts: 5 prime UTR variant (4).
Genome position (GRCh38, 1-based): chr17:3,655,086-3,655,089, ACTC deleted; deleting any 4 consecutive bases within chr17:3,655,084-3,655,089 gives the same sequence; the c. name uses the placement nearest the transcript's 3' end. VCF-style (leftmost placement, unchanged base first): chr17-3655083-ATCAC-A. GRCh37 (hg19) VCF-style: chr17-3558377-ATCAC-A.
Other names: c.314_317del, p.His105fs (NM_001031681.3, NM_001374492.1); c.-128_-125del (NM_001374493.1, NM_001374494.1, NM_001374495.1 and 1 more transcripts); short protein forms H105fs.
Identifiers: ClinVar variation 2681016 (VCV002681016.6), dbSNP rs2507742712, ClinGen allele CA2635423114.